The following is an entry in ClinVar:

ClinVar aggregate classification (germline): Likely pathogenic (1 of 4 stars; one submission).

Conditions:
Hypertrophic cardiomyopathy 8. Also called: CARDIOMYOPATHY, HYPERTROPHIC, MID-LEFT VENTRICULAR CHAMBER TYPE, 1; MYL3-Related Familial Hypertrophic Cardiomyopathy. Identifiers: MedGen C1837471, MONDO:0012111, OMIM 608751.

Submission:

Johns Hopkins Genomics, Johns Hopkins University
Classification: Likely pathogenic for Hypertrophic cardiomyopathy 8. Last evaluated: 2024-11-25. Review status: criteria provided, single submitter. Criteria: ACMG Guidelines, 2015. Collection method: clinical testing. Allele origin: germline.
Comment: Not a previously reported NKX2-1 variant to our knowledge that is absent from a large population dataset. This frameshift variant is predicted to lead to a premature stop codon in the last exon of the gene, likely escaping nonsense-mediated decay and resulting in a truncated protein product. The consequence of this variant has not been functionally assessed to our knowledge, although multiple frameshift variants downstream of this variant have been identified in symptomatic patients. We consider NKX2-1 c.824delC to be likely pathogenic.

Literature cited by the submitters: PubMed 24171694.

NM_001079668.3(NKX2-1):c.824del (p.Pro275fs)

Genes: NKX2-1 (NK2 homeobox 1; minus strand), SFTA3 (surfactant associated 3; minus strand). Cytogenetic location: 14q13.3.
Variant type: Deletion.
Coding change: c.824del on transcript NM_001079668.3 (MANE Select); coding-DNA position 824, one base deleted (C; older notation c.824delC).
Protein change: p.Pro275fs; shifts the reading frame from proline 275.
Molecular consequence: frameshift variant.
Genome position (GRCh38, 1-based): chr14:36,517,660, G deleted on the plus strand (C on the coding strand, the reverse complement: NKX2-1 is on the minus strand); the first of 3 consecutive G bases (chr14:36,517,660-36,517,662); deleting any one gives the same sequence. VCF-style (leftmost placement, unchanged base first): chr14-36517659-CG-C. GRCh37 (hg19) VCF-style: chr14-36986864-CG-C.
Other names: c.734del, p.Pro245fs (NM_003317.4); short protein forms P245fs, P275fs.
Identifiers: ClinVar variation 4280110 (VCV004280110.1).